The following is an entry in ClinVar:

ClinVar aggregate classification (germline): Uncertain significance. Review status: criteria provided, multiple submitters, no conflicts (2 of 4 stars). 2 submissions from 2 submitters: Uncertain significance (2). Last evaluated 2025-06-04.

Conditions:
Autosomal recessive limb-girdle muscular dystrophy type 2L (LGMDR12). Also called: Limb-girdle muscular dystrophy, type 2L; MUSCULAR DYSTROPHY, LIMB-GIRDLE, AUTOSOMAL RECESSIVE 12; Limb-Girdle Muscular Dystrophy R12 Anoctamin-5-Related (LGMD-R12). Identifiers: Orphanet 206549, MedGen C1969785, MONDO:0012652, OMIM 611307.
Gnathodiaphyseal dysplasia (GDD). Also called: GNATHODIAPHYSEAL SCLEROSIS; OSTEOGENESIS IMPERFECTA WITH UNUSUAL SKELETAL LESIONS. Identifiers: Orphanet 53697, MedGen C1833736, MONDO:0008151, OMIM 166260.

gnomAD v4.1: 4 of 1,613,724 alleles (0.00025%); highest among the groups gnomAD compares: East Asian, 0.0022%; no homozygotes.

Submissions (2):

Labcorp Genetics (formerly Invitae), Labcorp
Classification: Uncertain significance for Autosomal recessive limb-girdle muscular dystrophy type 2L; Gnathodiaphyseal dysplasia. Last evaluated: 2025-06-04. Review status: criteria provided, single submitter. Criteria: Invitae Variant Classification Sherloc (09022015). Collection method: clinical testing. Allele origin: germline.
Comment: This sequence change replaces isoleucine, which is neutral and non-polar, with leucine, which is neutral and non-polar, at codon 536 of the ANO5 protein (p.Ile536Leu). This variant is not present in population databases (gnomAD no frequency). This variant has not been reported in the literature in individuals affected with ANO5-related conditions. ClinVar contains an entry for this variant (Variation ID: 2684304). Invitae Evidence Modeling of protein sequence and biophysical properties (such as structural, functional, and spatial information, amino acid conservation, physicochemical variation, residue mobility, and thermodynamic stability) indicates that this missense variant is not expected to disrupt ANO5 protein function with a negative predictive value of 80%. In summary, the available evidence is currently insufficient to determine the role of this variant in disease. Therefore, it has been classified as a Variant of Uncertain Significance.

Athena Diagnostics
Classification: Uncertain significance. Last evaluated: 2023-05-26. Review status: criteria provided, single submitter. Criteria: Athena Diagnostics Criteria. Collection method: clinical testing. Allele origin: unknown.
Comment: Available data are insufficient to determine the clinical significance of the variant at this time. This variant has not been reported in large, multi-ethnic general populations. Computational tools disagree on the variant's effect on normal protein function.

NM_213599.3(ANO5):c.1606A>T (p.Ile536Leu)

Gene: ANO5 (anoctamin 5; plus strand). Cytogenetic location: 11p14.3.
Variant type: single nucleotide variant.
Coding change: c.1606A>T on transcript NM_213599.3 (MANE Select); coding-DNA position 1606, A replaced by T.
Protein change: p.Ile536Leu; replaces isoleucine 536 with leucine.
Molecular consequence: missense variant.
Genome position (GRCh38, 1-based): chr11:22,259,717, A>T. VCF-style: chr11-22259717-A-T. GRCh37 (hg19) VCF-style: chr11-22281263-A-T.
Other names: c.1603A>T, p.Ile535Leu (NM_001142649.2); c.1564A>T, p.Ile522Leu (NM_001410963.1); c.1561A>T, p.Ile521Leu (NM_001410964.1); short protein forms I521L, I522L, I535L, I536L.
Identifiers: ClinVar variation 2684304 (VCV002684304.4), dbSNP rs770320815, ClinGen allele CA379922397.